The following is an entry in ClinVar:

ClinVar aggregate classification (germline): Uncertain significance. Review status: criteria provided, multiple submitters, no conflicts (2 of 4 stars). 3 submissions from 3 submitters: Uncertain significance (3). Last evaluated 2025-03-03.

Conditions:
Seizure. Also called: Seizures. Identifiers: MedGen C0036572, HP:0001250.
Epilepsy, progressive myoclonic, 1B. Also called: PME. Identifiers: Orphanet 308, MedGen C2676254, MONDO:0012904, OMIM 612437.

Allele frequency attached by ClinVar (database versions not stated): ExAC 0.00001; gnomAD 0.00001; gnomAD exomes 0.00001 and below 0.00001; TOPMed below 0.00001.
gnomAD v4.1: 9 of 1,614,054 alleles (0.00056%); highest among the groups gnomAD compares: Non-Finnish European, 0.00076%; no homozygotes.

Submissions (3):

Ambry Genetics
Classification: Uncertain significance. Last evaluated: 2025-03-03. Review status: criteria provided, single submitter. Criteria: Ambry Variant Classification Scheme 2023. Collection method: clinical testing. Allele origin: germline.

Labcorp Genetics (formerly Invitae), Labcorp
Classification: Uncertain significance for Epilepsy, progressive myoclonic, 1B. Last evaluated: 2021-08-24. Review status: criteria provided, single submitter. Criteria: Invitae Variant Classification Sherloc (09022015). Collection method: clinical testing. Allele origin: germline.
Comment: This sequence change replaces arginine with tryptophan at codon 787 of the PRICKLE1 protein (p.Arg787Trp). The arginine residue is highly conserved and there is a moderate physicochemical difference between arginine and tryptophan. This variant is present in population databases (rs765199745, ExAC 0.01%). This variant has not been reported in the literature in individuals affected with PRICKLE1-related conditions. Algorithms developed to predict the effect of missense changes on protein structure and function are either unavailable or do not agree on the potential impact of this missense change (SIFT: "Deleterious"; PolyPhen-2: "Probably Damaging"; Align-GVGD: "Class C0"). In summary, the available evidence is currently insufficient to determine the role of this variant in disease. Therefore, it has been classified as a Variant of Uncertain Significance.

Centre for Mendelian Genomics, University Medical Centre Ljubljana
Classification: Uncertain significance for Seizure. Last evaluated: 2014-06-06. Review status: criteria provided, single submitter. Criteria: ACMG Guidelines, 2015. Collection method: clinical testing. Allele origin: unknown. Affected: yes.

NM_153026.3(PRICKLE1):c.2359C>T (p.Arg787Trp)

Gene: PRICKLE1 (prickle planar cell polarity protein 1; minus strand). Cytogenetic location: 12q12.
Variant type: single nucleotide variant.
Coding change: c.2359C>T on transcript NM_153026.3 (MANE Select); coding-DNA position 2359, C replaced by T.
Protein change: p.Arg787Trp; replaces arginine 787 with tryptophan.
Molecular consequence: missense variant.
Genome position (GRCh38, 1-based): chr12:42,459,946, G>A on the plus strand (C>T on the coding strand, the complement: PRICKLE1 is on the minus strand). VCF-style: chr12-42459946-G-A. GRCh37 (hg19) VCF-style: chr12-42853748-G-A.
Other names: c.2359C>T, p.Arg787Trp (NM_001144881.2, NM_001144882.2, NM_001144883.2); short protein forms R787W.
Identifiers: ClinVar variation 374057 (VCV000374057.10), dbSNP rs765199745, ClinGen allele CA6519613.